The following is an entry in ClinVar:

NM_003049.4(SLC10A1):c.760G>C (p.Val254Leu)

Gene: SLC10A1 (solute carrier family 10 member 1; minus strand). Cytogenetic location: 14q24.1.
Variant type: single nucleotide variant.
Coding change: c.760G>C on transcript NM_003049.4 (MANE Select); coding-DNA position 760, G replaced by C.
Protein change: p.Val254Leu; replaces valine 254 with leucine.
Molecular consequence: missense variant.
Genome position (GRCh38, 1-based): chr14:69,778,516, C>G on the plus strand (G>C on the coding strand, the complement: SLC10A1 is on the minus strand). VCF-style: chr14-69778516-C-G. GRCh37 (hg19) VCF-style: chr14-70245233-C-G.
Other names: short protein forms V254L.
Identifiers: ClinVar variation 4986665 (VCV004986665.1).
Genomic context (GRCh38, chr14:69,778,516, plus strand): 5'-AGGCCACATTGAGGATGGTGGAACAGAGTTGGACATTTTGGCATCCAGTCTCCATGCTGA[C>G]AGTGCGTCTGCACCTGTGCCGGTGAAGAAAACCCCACATACACTCAGAGGGAACTGGAGG-3'
Protein context (NP_003040.1, residues 244-264): FCLNGRCRRT[Val254Leu]SMETGCQNVQ

ClinVar aggregate classification (germline): Uncertain significance (1 of 4 stars; one submission).

Conditions:
SLC10A1-related disorder. Also called: SLC10A1-related condition.

gnomAD v4.1: 85 of 1,607,678 alleles (0.0053%); highest among the groups gnomAD compares: Non-Finnish European, 0.007%; no homozygotes.

Submission:

PreventionGenetics, part of Exact Sciences
Classification: Uncertain significance for SLC10A1-related condition. Last evaluated: 2025-11-04. Review status: criteria provided, single submitter. Criteria: ACMG Guidelines, 2015. Collection method: clinical testing. Allele origin: germline.
Comment: The SLC10A1 c.760G>C variant is predicted to result in the amino acid substitution p.Val254Leu. To our knowledge, this variant has not been reported in the literature. This variant is reported in 0.00090% of alleles in individuals of European (Non-Finnish) descent in gnomAD. At this time, the clinical significance of this variant is uncertain due to the absence of conclusive functional and genetic evidence.